The following is an entry in ClinVar:

ClinVar aggregate classification (germline): Likely pathogenic (1 of 4 stars; one submission).

Submission:

GeneDx
Classification: Likely pathogenic. Last evaluated: 2023-08-14. Review status: criteria provided, single submitter. Criteria: GeneDx Variant Classification Process June 2021. Collection method: clinical testing. Allele origin: germline. Affected: yes.
Comment: Published functional studies demonstrate a deleterious effect on splicing (Millar et al., 2000); Not observed at significant frequency in large population cohorts (gnomAD); This variant is associated with the following publications: (PMID: 25525159, 11129332, 32333443)

NM_019616.4(F7):c.225G>C (p.Thr75=)

Gene: F7 (coagulation factor VII; plus strand). Cytogenetic location: 13q34.
Variant type: single nucleotide variant.
Coding change: c.225G>C on transcript NM_019616.4 (MANE Select); coding-DNA position 225, G replaced by C.
Protein change: p.Thr75=; no amino-acid change (threonine 75 retained).
Molecular consequence: synonymous variant. On other transcripts: non-coding transcript variant (1), intron variant (1).
Genome position (GRCh38, 1-based): chr13:113,110,850, G>C. VCF-style: chr13-113110850-G-C. GRCh37 (hg19) VCF-style: chr13-113765164-G-C.
Other names: c.291G>C, p.Thr97= (NM_000131.5); c.65-2997G>C (NM_001267554.2).
Identifiers: ClinVar variation 3340422 (VCV003340422.1).